The following is an entry in ClinVar:

ClinVar aggregate classification (germline): Uncertain significance (1 of 4 stars; one submission).

Allele frequency attached by ClinVar (database versions not stated): ESP Exome Variant Server 0.00009.

Submission:

Ambry Genetics
Classification: Uncertain significance. Last evaluated: 2023-09-21. Review status: criteria provided, single submitter. Criteria: Ambry Variant Classification Scheme 2023. Collection method: clinical testing. Allele origin: germline.
Comment: The p.E353G variant (also known as c.1058A>G), located in coding exon 12 of the NPAT gene, results from an A to G substitution at nucleotide position 1058. The glutamic acid at codon 353 is replaced by glycine, an amino acid with similar properties. This amino acid position is conserved. In addition, this alteration is predicted to be tolerated by in silico analysis. Since supporting evidence is limited at this time, the clinical significance of this alteration remains unclear.

NM_002519.3(NPAT):c.1058A>G (p.Glu353Gly)

Gene: NPAT (nuclear protein, coactivator of histone transcription; minus strand). Cytogenetic location: 11q22.3.
Variant type: single nucleotide variant.
Coding change: c.1058A>G on transcript NM_002519.3 (MANE Select); coding-DNA position 1058, A replaced by G.
Protein change: p.Glu353Gly; replaces glutamic acid 353 with glycine.
Molecular consequence: missense variant.
Genome position (GRCh38, 1-based): chr11:108,176,320, T>C on the plus strand (A>G on the coding strand, the complement: NPAT is on the minus strand). VCF-style: chr11-108176320-T-C. GRCh37 (hg19) VCF-style: chr11-108047047-T-C.
Other names: c.1058A>G, p.Glu353Gly (NM_001321307.1); short protein forms E353G.
Identifiers: ClinVar variation 3222443 (VCV003222443.1), dbSNP rs370097968, ClinGen allele CA228390540.